The following is an entry in ClinVar:

ClinVar aggregate classification (germline): Likely benign (1 of 4 stars; one submission).

Submission:

CeGaT Center for Human Genetics Tuebingen
Classification: Likely benign. Last evaluated: 2023-10-01. Review status: criteria provided, single submitter. Criteria: CeGaT Center For Human Genetics Tuebingen Variant Classification Criteria Version 2. Collection method: clinical testing. Allele origin: germline. Affected: yes. Observed: 1 variant allele.
Comment: PKP2: PM2:Supporting, BP4, BP7

NM_001005242.3(PKP2):c.102C>G (p.Ser34=)

Gene: PKP2 (plakophilin 2; minus strand). Cytogenetic location: 12p11.21.
Variant type: single nucleotide variant.
Coding change: c.102C>G on transcript NM_001005242.3 (MANE Select); coding-DNA position 102, C replaced by G.
Protein change: p.Ser34=; no amino-acid change (serine 34 retained).
Molecular consequence: synonymous variant. On other transcripts: 5 prime UTR variant (4).
Genome position (GRCh38, 1-based): chr12:32,896,630, G>C on the plus strand (C>G on the coding strand, the complement: PKP2 is on the minus strand). VCF-style: chr12-32896630-G-C. GRCh37 (hg19) VCF-style: chr12-33049564-G-C.
Other names: c.102C>G, p.Ser34= (NM_001407155.1, NM_001407156.1, NM_001407157.1 and 2 more transcripts); c.-725C>G (NM_001407158.1, NM_001407162.1); c.-489C>G (NM_001407159.1, NM_001407160.1).
Identifiers: ClinVar variation 2642843 (VCV002642843.24), dbSNP rs2138010805, ClinGen allele CA479175888.